The following is an entry in ClinVar:

NM_000521.4(HEXB):c.425A>G (p.Asn142Ser)

Gene: HEXB (hexosaminidase subunit beta; plus strand). Cytogenetic location: 5q13.3.
Variant type: single nucleotide variant.
Coding change: c.425A>G on transcript NM_000521.4 (MANE Select); coding-DNA position 425, A replaced by G.
Protein change: p.Asn142Ser; replaces asparagine 142 with serine.
Molecular consequence: missense variant. On other transcripts: 5 prime UTR variant (1).
Genome position (GRCh38, 1-based): chr5:74,689,453, A>G. VCF-style: chr5-74689453-A-G. GRCh37 (hg19) VCF-style: chr5-73985278-A-G.
Other names: c.-251A>G (NM_001292004.2); short protein forms N142S.
Identifiers: ClinVar variation 2147226 (VCV002147226.2), dbSNP rs1223624284, ClinGen allele CA360063127.

ClinVar aggregate classification (germline): Uncertain significance (1 of 4 stars; one submission).

Conditions:
Sandhoff disease. Also called: Beta-hexosaminidase-beta-subunit deficiency; GM2 gangliosidosis, type 2; Total hexosaminidase deficiency; Sandhoff-Jatzkewitz-Pilz disease; GM2-GANGLIOSIDOSIS, TYPE II; HEXOSAMINIDASES A AND B DEFICIENCY. Identifiers: Orphanet 796, MedGen C0036161, MONDO:0010006, OMIM 268800.

Allele frequency attached by ClinVar (database versions not stated): TOPMed below 0.00001; gnomAD 0.00001; gnomAD exomes 0.00004.
gnomAD v4.1: 61 of 1,613,464 alleles (0.0038%); highest among the groups gnomAD compares: Non-Finnish European, 0.0051%; no homozygotes.

Submission:

Labcorp Genetics (formerly Invitae), Labcorp
Classification: Uncertain significance for Sandhoff disease. Last evaluated: 2026-01-19. Review status: criteria provided, single submitter. Criteria: Invitae Variant Classification Sherloc (09022015). Collection method: clinical testing. Allele origin: germline.
Comment: This sequence change replaces asparagine, which is neutral and polar, with serine, which is neutral and polar, at codon 142 of the HEXB protein (p.Asn142Ser). This variant is present in population databases (no rsID available, gnomAD 0.002%). This variant has not been reported in the literature in individuals affected with HEXB-related conditions. ClinVar contains an entry for this variant (Variation ID: 2147226). Invitae Evidence Modeling of protein sequence and biophysical properties (such as structural, functional, and spatial information, amino acid conservation, physicochemical variation, residue mobility, and thermodynamic stability) indicates that this missense variant is not expected to disrupt HEXB protein function with a negative predictive value of 95%. In summary, the available evidence is currently insufficient to determine the role of this variant in disease. Therefore, it has been classified as a Variant of Uncertain Significance.